The following is an entry in ClinVar:

ClinVar aggregate classification (germline): Uncertain significance (1 of 4 stars; one submission).

gnomAD v4.1: 49 of 1,614,140 alleles (0.003%); highest among the groups gnomAD compares: Admixed American, 0.0083%; no homozygotes.

Submission:

Labcorp Genetics (formerly Invitae), Labcorp
Classification: Uncertain significance. Last evaluated: 2024-06-12. Review status: criteria provided, single submitter. Criteria: Invitae Variant Classification Sherloc (09022015). Collection method: clinical testing. Allele origin: germline.
Comment: This sequence change replaces alanine, which is neutral and non-polar, with threonine, which is neutral and polar, at codon 163 of the TMEM230 protein (p.Ala163Thr). This variant is present in population databases (rs374122606, gnomAD 0.004%). This missense change has been observed in individual(s) with Parkinson disease (PMID: 27818000). An algorithm developed to predict the effect of missense changes on protein structure and function (PolyPhen-2) suggests that this variant is likely to be disruptive. In summary, the available evidence is currently insufficient to determine the role of this variant in disease. Therefore, it has been classified as a Variant of Uncertain Significance.

Literature cited by the submitters: PubMed 27818000.

NM_001009925.2(TMEM230):c.298G>A (p.Ala100Thr)

Gene: TMEM230 (transmembrane protein 230; minus strand). Cytogenetic location: 20p12.3.
Variant type: single nucleotide variant.
Coding change: c.298G>A on transcript NM_001009925.2 (MANE Select); coding-DNA position 298, G replaced by A.
Protein change: p.Ala100Thr; replaces alanine 100 with threonine.
Molecular consequence: missense variant. On other transcripts: intron variant (1).
Genome position (GRCh38, 1-based): chr20:5,100,856, C>T on the plus strand (G>A on the coding strand, the complement: TMEM230 is on the minus strand). VCF-style: chr20-5100856-C-T. GRCh37 (hg19) VCF-style: chr20-5081502-C-T.
Other names: c.298G>A, p.Ala100Thr (NM_001009924.2, NM_001330984.2, NM_001330985.2 and 3 more transcripts); c.222+5332G>A (NM_001330987.2); short protein forms A100T.
Identifiers: ClinVar variation 3676370 (VCV003676370.2).